The following is an entry in ClinVar:

NM_015271.5(TRIM2):c.1834C>A (p.Arg612Ser)

Gene: TRIM2 (tripartite motif containing 2; plus strand). Cytogenetic location: 4q31.3.
Variant type: single nucleotide variant.
Coding change: c.1834C>A on transcript NM_015271.5 (MANE Select); coding-DNA position 1834, C replaced by A.
Protein change: p.Arg612Ser; replaces arginine 612 with serine.
Molecular consequence: missense variant.
Genome position (GRCh38, 1-based): chr4:153,322,699, C>A. VCF-style: chr4-153322699-C-A. GRCh37 (hg19) VCF-style: chr4-154243851-C-A.
Other names: c.1753C>A, p.Arg585Ser (NM_001130067.2, NM_001351056.2, NM_001375512.1 and 5 more transcripts); c.1807C>A, p.Arg603Ser (NM_001351054.2); c.1804C>A, p.Arg602Ser (NM_001351055.2); c.1378C>A, p.Arg460Ser (NM_001351057.2); c.1927C>A, p.Arg643Ser (NM_001375488.1); c.1924C>A, p.Arg642Ser (NM_001375489.1); c.1777C>A, p.Arg593Ser (NM_001375490.1); c.1774C>A, p.Arg592Ser (NM_001375491.1); and 3 more; short protein forms R460S, R602S, R585S, R592S, R612S, R643S, R500S, R501S.
Identifiers: ClinVar variation 2752905 (VCV002752905.3), dbSNP rs770933241, ClinGen allele CA107896597.
Genomic context (GRCh38, chr4:153,322,699, plus strand): 5'-TTCAAACAGACAAAAATTGGATCAGGAAAGCTGATGGGACCCAAAGGAGTTTCTGTGGAC[C>A]GCAATGGGCACATTATTGTTGTGGACAACAAGGCGTGCTGCGTGTTTATCTTCCAGCCAA-3'
Protein context (NP_056086.2, residues 602-622): LMGPKGVSVD[Arg612Ser]NGHIIVVDNK

ClinVar aggregate classification (germline): Uncertain significance (1 of 4 stars; one submission).

Conditions:
Charcot-Marie-Tooth disease type 2R. Also called: CHARCOT-MARIE-TOOTH DISEASE, AXONAL, AUTOSOMAL RECESSIVE, TYPE 2R; Charcot-Marie-Tooth disease, axonal, type 2R; CHARCOT-MARIE-TOOTH NEUROPATHY, TYPE 2R. Identifiers: Orphanet 397968, MedGen C3809655, MONDO:0014208, OMIM 615490.

gnomAD v4.1: 2 of 1,613,930 alleles (0.00012%); highest among the groups gnomAD compares: Non-Finnish European, 0.00017%; no homozygotes.

Submission:

Labcorp Genetics (formerly Invitae), Labcorp
Classification: Uncertain significance for Charcot-Marie-Tooth disease type 2R. Last evaluated: 2023-05-31. Review status: criteria provided, single submitter. Criteria: Invitae Variant Classification Sherloc (09022015). Collection method: clinical testing. Allele origin: germline.
Comment: In summary, the available evidence is currently insufficient to determine the role of this variant in disease. Therefore, it has been classified as a Variant of Uncertain Significance. An algorithm developed to predict the effect of missense changes on protein structure and function (PolyPhen-2) suggests that this variant is likely to be tolerated. This variant has not been reported in the literature in individuals affected with TRIM2-related conditions. This variant is not present in population databases (gnomAD no frequency). This sequence change replaces arginine, which is basic and polar, with serine, which is neutral and polar, at codon 585 of the TRIM2 protein (p.Arg585Ser).